The following is an entry in ClinVar:

NM_001022.4(RPS19):c.48_49del (p.Arg16fs)

Genes: RPS19 (ribosomal protein S19; plus strand), RPS19-CD79A (RPS19-CD79A readthrough; plus strand). Cytogenetic location: 19q13.2.
Variant type: Microsatellite.
Coding change: c.48_49del on transcript NM_001022.4 (MANE Select); coding-DNA positions 48 to 49, 2 bases deleted (AG; older notation c.48_49delAG).
Protein change: p.Arg16fs; shifts the reading frame from arginine 16.
Molecular consequence: frameshift variant.
Genome position (GRCh38, 1-based): chr19:41,860,822-41,860,823, AG deleted; deleting any 2 consecutive bases within chr19:41,860,820-41,860,823 gives the same sequence; the c. name uses the placement nearest the transcript's 3' end. VCF-style (leftmost placement, unchanged base first): chr19-41860819-CAG-C. GRCh37 (hg19) VCF-style: chr19-42364889-CAG-C.
Other names: c.48_49del, p.Arg16fs (NM_001321483.2, NM_001321484.2, NM_001321485.2); short protein forms R16fs.
Identifiers: ClinVar variation 3358916 (VCV003358916.3).
Genomic context (GRCh38, chr19:41,860,819, plus strand): 5'-TGACTTTCTCCCTCAGATGCCTGGAGTTACTGTAAAAGACGTGAACCAGCAGGAGTTCGT[CAG>C]AGCTCTGGCAGCCTTCCTCAAAAAGTGAGTTTGGGGACTGAGGTTCAAAACGGGTGGAGG-3'

ClinVar aggregate classification (germline): Pathogenic/Likely pathogenic. Review status: criteria provided, multiple submitters, no conflicts (2 of 4 stars). 3 submissions from 3 submitters: Pathogenic (1); Likely pathogenic (2). Last evaluated 2026-01-21.

Conditions:
Diamond-Blackfan anemia. Also called: Blackfan Diamond syndrome; Aregenerative anemia chronic congenital; Red cell aplasia, pure hereditary; Congenital hypoplastic anemia; Aase syndrome. Identifiers: Orphanet 124, MedGen C1260899, MeSH D029503, MONDO:0015253, HP:0004810.
Diamond-Blackfan anemia 1 (DBA1). Also called: RPS19-Related Diamond-Blackfan Anemia; BLACKFAN-DIAMOND SYNDROME; ANEMIA, CONGENITAL HYPOPLASTIC, OF BLACKFAN AND DIAMOND; ANEMIA, CONGENITAL ERYTHROID HYPOPLASTIC; RED CELL APLASIA, PURE, HEREDITARY; AREGENERATIVE ANEMIA, CHRONIC CONGENITAL. Identifiers: Orphanet 124, MedGen C2676137, MONDO:0007110, OMIM 105650.

Submissions (3):

Labcorp Genetics (formerly Invitae), Labcorp
Classification: Pathogenic for Diamond-Blackfan anemia. Last evaluated: 2026-01-21. Review status: criteria provided, single submitter. Criteria: Invitae Variant Classification Sherloc (09022015). Collection method: clinical testing. Allele origin: germline.
Comment: This sequence change creates a premature translational stop signal (p.Arg16Serfs*34) in the RPS19 gene. It is expected to result in an absent or disrupted protein product. Loss-of-function variants in RPS19 are known to be pathogenic (PMID: 20960466). This variant is not present in population databases (gnomAD no frequency). This variant has not been reported in the literature in individuals affected with RPS19-related conditions. For these reasons, this variant has been classified as Pathogenic.

Genetic Services Laboratory, University of Chicago
Classification: Likely pathogenic. Last evaluated: 2025-05-14. Review status: criteria provided, single submitter. Criteria: ACMG Guidelines, 2015. Collection method: clinical testing. Allele origin: germline.
Comment: The c.48_49del variant: Is a two base pair deletion in exon 2. Results in an amino acid frameshift and creates a premature stop codon 33 amino acids downstream of the change, p.Arg16Serfs*34. Predicted to result in an abnormal transcript, which may be degraded, or may lead to the production of a truncated RPS19 protein with potentially abnormal function. Has not been described in the literature in individuals with RPS19- related disorders. However, other truncating variants have been described in individuals with RPS19-related Diamond-Blackfan anemia (PMIDs:20960466, 17376718, 27329125). Has not been described in population databases such as gnomAD v4. Collectively this evidence indicates that this variant is pathogenic; however functional studies have not been performed to prove this conclusively.

BloodGenetics
Classification: Likely pathogenic for Diamond-Blackfan anemia 1. Review status: criteria provided, single submitter. Criteria: ACMG Guidelines, 2015. Collection method: clinical testing. Allele origin: germline. Inheritance: Autosomal dominant inheritance. Affected: yes. Observed: 2 variant alleles.

Literature cited by the submitters: PubMed 20960466 (cited by Labcorp Genetics (formerly Invitae), Labcorp); PubMed 30376034 (cited by BloodGenetics).